The following is an entry in ClinVar:

ClinVar aggregate classification (germline): Pathogenic (1 of 4 stars; one submission).

Conditions:
Saldino-Mainzer syndrome (SRTD9). Also called: CONORENAL SYNDROME; Renal dysplasia, retinal pigmentary dystrophy, cerebellar ataxia and skeletal dysplasia; SHORT-RIB THORACIC DYSPLASIA 9 WITHOUT POLYDACTYLY; short-rib thoracic dysplasia 9 with or without polydactyly. Identifiers: Orphanet 140969, MedGen C1849437, MONDO:0009964, OMIM 266920.

Submission:

Labcorp Genetics (formerly Invitae), Labcorp
Classification: Pathogenic for Saldino-Mainzer syndrome. Last evaluated: 2025-04-16. Review status: criteria provided, single submitter. Criteria: Invitae Variant Classification Sherloc (09022015). Collection method: clinical testing. Allele origin: germline.
Comment: This sequence change creates a premature translational stop signal (p.Asn1163Lysfs*2) in the IFT140 gene. It is expected to result in an absent or disrupted protein product. Loss-of-function variants in IFT140 are known to be pathogenic (PMID: 22503633, 23418020, 24009529, 26216056). This variant is not present in population databases (gnomAD no frequency). This variant has not been reported in the literature in individuals affected with IFT140-related conditions. ClinVar contains an entry for this variant (Variation ID: 1408932). For these reasons, this variant has been classified as Pathogenic.

Literature cited by the submitters: PubMed 22503633; PubMed 23418020; PubMed 24009529; PubMed 26216056.

NM_014714.4(IFT140):c.3489del (p.Asn1163fs)

Gene: IFT140 (intraflagellar transport 140; minus strand). Cytogenetic location: 16p13.3.
Variant type: Deletion.
Coding change: c.3489del on transcript NM_014714.4 (MANE Select); coding-DNA position 3489, one base deleted (C; older notation c.3489delC).
Protein change: p.Asn1163fs; shifts the reading frame from asparagine 1163.
Molecular consequence: frameshift variant.
Genome position (GRCh38, 1-based): chr16:1,520,773, G deleted on the plus strand (C on the coding strand, the reverse complement: IFT140 is on the minus strand). VCF-style (leftmost placement, unchanged base first): chr16-1520772-TG-T. GRCh37 (hg19) VCF-style: chr16-1570773-TG-T.
Other names: short protein forms N1163fs.
Identifiers: ClinVar variation 1408932 (VCV001408932.6), dbSNP rs2141148172, ClinGen allele CA2573151757.